The following is an entry in ClinVar:

NM_006329.4(FBLN5):c.862+12C>T

Gene: FBLN5 (fibulin 5; minus strand). Cytogenetic location: 14q32.12.
Variant type: single nucleotide variant.
Coding change: c.862+12C>T on transcript NM_006329.4 (MANE Select); 12 bases into the intron after coding-DNA position 862, C replaced by T.
Molecular consequence: intron variant.
Genome position (GRCh38, 1-based): chr14:91,882,942, G>A on the plus strand (C>T on the coding strand, the complement: FBLN5 is on the minus strand). VCF-style: chr14-91882942-G-A. GRCh37 (hg19) VCF-style: chr14-92349286-G-A.
Other names: c.862+12C>T (NM_001384160.1); c.985+12C>T (NM_001384158.1); c.694+12C>T (NM_001384162.1, NM_001384161.1); c.913+12C>T (NM_001384159.1).
Identifiers: ClinVar variation 314875 (VCV000314875.12), dbSNP rs202088447, ClinGen allele CA7312725.
Genomic context (GRCh38, chr14:91,882,942, plus strand): 5'-TATCCAGATGAGCCCCTGAAGCAGCTCCACCTCACACATACACCCCAGCCAGGCCCCTCC[G>A]GACAGCCTTACCTTGGCAGCTTCGGTTGTCATCCAGCAGGATGTAGCCTGGAGGGCAGGA-3'

ClinVar aggregate classification (germline): Conflicting classifications of pathogenicity. Review status: criteria provided, conflicting classifications (1 of 4 stars). 3 submissions from 2 submitters: Uncertain significance (1); Benign (1); Likely benign (1). Last evaluated 2025-12-01.

Conditions:
Cutis laxa. Identifiers: Orphanet 209, MedGen C0010495, MONDO:0016175, HP:0000973.
Macular degeneration, age-related, 3 (ARMD3). Identifiers: Orphanet 280598, MedGen C1837187, MONDO:0012145, OMIM 608895.

Allele frequency attached by ClinVar (database versions not stated): ExAC 0.00006; gnomAD exomes 0.00008; gnomAD 0.00025; TOPMed 0.00045; 1000 Genomes Project 30x 0.00062; 1000 Genomes Project 0.00080.
gnomAD v4.1: 93 of 1,613,292 alleles (0.0058%); highest among the groups gnomAD compares: Admixed American, 0.092%; 1 homozygote.

Submissions (3):

Labcorp Genetics (formerly Invitae), Labcorp
Classification: Likely benign. Last evaluated: 2025-12-01. Review status: criteria provided, single submitter. Criteria: Invitae Variant Classification Sherloc (09022015). Collection method: clinical testing. Allele origin: germline.

Illumina Laboratory Services, Illumina
Classification: Uncertain significance for Macular degeneration, age-related, 3. Last evaluated: 2018-01-12. Review status: criteria provided, single submitter. Criteria: ICSL Variant Classification Criteria 13 December 2019. Collection method: clinical testing. Allele origin: germline.

Illumina Laboratory Services, Illumina
Classification: Benign for Cutis laxa. Last evaluated: 2018-01-12. Review status: criteria provided, single submitter. Criteria: ICSL Variant Classification Criteria 13 December 2019. Collection method: clinical testing. Allele origin: germline.
Comment: This variant was observed in the ICSL laboratory as part of a predisposition screen in an ostensibly healthy population. It had not been previously curated by ICSL or reported in the Human Gene Mutation Database (HGMD: prior to June 1st, 2018), and was therefore a candidate for classification through an automated scoring system. Utilizing variant allele frequency, disease prevalence and penetrance estimates, and inheritance mode, an automated score was calculated to assess if this variant is too frequent to cause the disease. Based on the score and internal cut-off values, a variant classified as benign is not then subjected to further curation. The score for this variant resulted in a classification of benign for this disease.